The following is an entry in ClinVar:

NM_000383.4(AIRE):c.1089G>T (p.Glu363Asp)

Gene: AIRE (autoimmune regulator; plus strand). Cytogenetic location: 21q22.3.
Variant type: single nucleotide variant.
Coding change: c.1089G>T on transcript NM_000383.4 (MANE Select); coding-DNA position 1089, G replaced by T.
Protein change: p.Glu363Asp; replaces glutamic acid 363 with aspartic acid.
Molecular consequence: missense variant.
Genome position (GRCh38, 1-based): chr21:44,292,395, G>T. VCF-style: chr21-44292395-G-T. GRCh37 (hg19) VCF-style: chr21-45712278-G-T.
Other names: short protein forms E363D.
Identifiers: ClinVar variation 2874080 (VCV002874080.4), dbSNP rs1317375627, ClinGen allele CA410425233.

ClinVar aggregate classification (germline): Uncertain significance. Review status: criteria provided, multiple submitters, no conflicts (2 of 4 stars). 2 submissions from 2 submitters: Uncertain significance (2). Last evaluated 2024-11-22.

Conditions:
Polyglandular autoimmune syndrome, type 1 (APS1). Also called: AUTOIMMUNE POLYENDOCRINE SYNDROME, TYPE I, WITH OR WITHOUT REVERSIBLE METAPHYSEAL DYSPLASIA; APS I; Autoimmune polyendocrinopathy syndrome , type I, with or without reversible metaphyseal dysplasia; Whitaker syndrome; HYPOADRENOCORTICISM WITH HYPOPARATHYROIDISM AND SUPERFICIAL MONILIASIS; PGA I. Identifiers: Orphanet 3453, MedGen C0085859, MONDO:0009411, OMIM 240300.

Allele frequency attached by ClinVar (database versions not stated): TOPMed below 0.00001; gnomAD 0.00001; gnomAD exomes 0.00001.
gnomAD v4.1: 15 of 1,551,930 alleles (0.00097%); highest among the groups gnomAD compares: Non-Finnish European, 0.0013%; no homozygotes.

Submissions (2):

Blueprint Genetics
Classification: Uncertain significance. Last evaluated: 2024-11-22. Review status: criteria provided, single submitter. Criteria: ACMG Guidelines, 2015. Collection method: clinical testing. Allele origin: germline.

Labcorp Genetics (formerly Invitae), Labcorp
Classification: Uncertain significance for Polyglandular autoimmune syndrome, type 1. Last evaluated: 2024-01-29. Review status: criteria provided, single submitter. Criteria: Invitae Variant Classification Sherloc (09022015). Collection method: clinical testing. Allele origin: germline.
Comment: This sequence change replaces glutamic acid, which is acidic and polar, with aspartic acid, which is acidic and polar, at codon 363 of the AIRE protein (p.Glu363Asp). This variant is present in population databases (no rsID available, gnomAD 0.007%). This variant has not been reported in the literature in individuals affected with AIRE-related conditions. Advanced modeling of protein sequence and biophysical properties (such as structural, functional, and spatial information, amino acid conservation, physicochemical variation, residue mobility, and thermodynamic stability) performed at Invitae indicates that this missense variant is not expected to disrupt AIRE protein function with a negative predictive value of 95%. In summary, the available evidence is currently insufficient to determine the role of this variant in disease. Therefore, it has been classified as a Variant of Uncertain Significance.